The following is an entry in ClinVar:

NM_001079802.2(FKTN):c.251A>G (p.Asn84Ser)

Gene: FKTN (fukutin; plus strand). Cytogenetic location: 9q31.2.
Variant type: single nucleotide variant.
Coding change: c.251A>G on transcript NM_001079802.2 (MANE Select); coding-DNA position 251, A replaced by G.
Protein change: p.Asn84Ser; replaces asparagine 84 with serine.
Molecular consequence: missense variant. On other transcripts: 5 prime UTR variant (4), non-coding transcript variant (2).
Genome position (GRCh38, 1-based): chr9:105,601,230, A>G. VCF-style: chr9-105601230-A-G. GRCh37 (hg19) VCF-style: chr9-108363511-A-G.
Other names: c.251A>G, p.Asn84Ser (NM_001198963.2, NM_001351496.2, NM_001351498.2 and 1 more transcripts); c.182A>G, p.Asn61Ser (NM_001351497.2); c.-264A>G (NM_001351499.2, NM_001351500.2, NM_001351501.2 and 1 more transcripts); short protein forms N61S, N84S.
Identifiers: ClinVar variation 2174303 (VCV002174303.4), dbSNP rs2539334747, ClinGen allele CA374331575.

ClinVar aggregate classification (germline): Uncertain significance. Review status: criteria provided, multiple submitters, no conflicts (2 of 4 stars). 2 submissions from 2 submitters: Uncertain significance (2). Last evaluated 2025-02-09.

Conditions:
Cardiovascular phenotype. Identifiers: MedGen CN230736.
Walker-Warburg congenital muscular dystrophy. Also called: Muscular dystrophy-dystroglycanopathy, type A; Walker-Warburg syndrome. Identifiers: Orphanet 899, MedGen C0265221, MONDO:0000171.

Submissions (2):

Ambry Genetics
Classification: Uncertain significance for Cardiovascular phenotype. Last evaluated: 2025-02-09. Review status: criteria provided, single submitter. Criteria: Ambry Variant Classification Scheme 2023. Collection method: clinical testing. Allele origin: germline.
Comment: The p.N84S variant (also known as c.251A>G), located in coding exon 3 of the FKTN gene, results from an A to G substitution at nucleotide position 251. The asparagine at codon 84 is replaced by serine, an amino acid with highly similar properties. This amino acid position is conserved. In addition, this alteration is predicted to be tolerated by in silico analysis. Based on the available evidence, the clinical significance of this variant remains unclear.

Labcorp Genetics (formerly Invitae), Labcorp
Classification: Uncertain significance for Walker-Warburg congenital muscular dystrophy. Last evaluated: 2022-03-06. Review status: criteria provided, single submitter. Criteria: Invitae Variant Classification Sherloc (09022015). Collection method: clinical testing. Allele origin: germline.
Comment: In summary, the available evidence is currently insufficient to determine the role of this variant in disease. Therefore, it has been classified as a Variant of Uncertain Significance. Algorithms developed to predict the effect of sequence changes on RNA splicing suggest that this variant may create or strengthen a splice site. This variant has not been reported in the literature in individuals affected with FKTN-related conditions. Algorithms developed to predict the effect of missense changes on protein structure and function output the following: SIFT: "Tolerated"; PolyPhen-2: "Benign"; Align-GVGD: "Class C0". The serine amino acid residue is found in multiple mammalian species, which suggests that this missense change does not adversely affect protein function. This sequence change replaces asparagine, which is neutral and polar, with serine, which is neutral and polar, at codon 84 of the FKTN protein (p.Asn84Ser). This variant is not present in population databases (gnomAD no frequency).